The following is an entry in ClinVar:

ClinVar aggregate classification (germline): Uncertain significance (1 of 4 stars; one submission).

Conditions:
Epidermolysis bullosa simplex with nail dystrophy (EBS5D). Identifiers: MedGen C4225309, MONDO:0014661, OMIM 616487.
Epidermolysis bullosa simplex 5B, with muscular dystrophy (EBS5B). Also called: EPIDERMOLYSIS BULLOSA SIMPLEX AND LIMB-GIRDLE MUSCULAR DYSTROPHY; Epidermolysis bullosa simplex with muscular dystrophy. Identifiers: Orphanet 257, MedGen C2931072, MONDO:0009181, OMIM 226670.
Epidermolysis bullosa simplex, Ogna type (EBS5A). Also called: Pidermolysis bullosa simplex 5A, Ogna type; EPIDERMOLYSIS BULLOSA SIMPLEX 5A, OGNA TYPE. Identifiers: Orphanet 79401, MedGen C0432317, MONDO:0007555, OMIM 131950.
Epidermolysis bullosa simplex 5C, with pyloric atresia (EBS5C). Also called: Epidermolysis bullosa simplex with pyloric atresia; PLEC-Related Epidermolysis Bullosa with Pyloric Atresia; PLEC1-Related Epidermolysis Bullosa with Pyloric Atresia. Identifiers: Orphanet 158684, MedGen C2677349, MONDO:0012807, OMIM 612138.
Autosomal recessive limb-girdle muscular dystrophy type 2Q (LGMDR17). Also called: MUSCULAR DYSTROPHY, LIMB-GIRDLE, AUTOSOMAL RECESSIVE 17. Identifiers: Orphanet 254361, MedGen C3150989, MONDO:0013390, OMIM 613723.

Submission:

Labcorp Genetics (formerly Invitae), Labcorp
Classification: Uncertain significance for Autosomal recessive limb-girdle muscular dystrophy type 2Q; Epidermolysis bullosa simplex, Ogna type; Epidermolysis bullosa simplex with nail dystrophy; Epidermolysis bullosa simplex 5C, with pyloric atresia; Epidermolysis bullosa simplex 5B, with muscular dystrophy. Last evaluated: 2022-06-04. Review status: criteria provided, single submitter. Criteria: Invitae Variant Classification Sherloc (09022015). Collection method: clinical testing. Allele origin: germline.
Comment: In summary, the available evidence is currently insufficient to determine the role of this variant in disease. Therefore, it has been classified as a Variant of Uncertain Significance. Algorithms developed to predict the effect of missense changes on protein structure and function are either unavailable or do not agree on the potential impact of this missense change (SIFT: "Deleterious"; PolyPhen-2: "Benign"; Align-GVGD: "Class C65"). This variant has not been reported in the literature in individuals affected with PLEC-related conditions. This variant is not present in population databases (gnomAD no frequency). This sequence change replaces proline, which is neutral and non-polar, with leucine, which is neutral and non-polar, at codon 3819 of the PLEC protein (p.Pro3819Leu).

NM_201384.3(PLEC):c.11375C>T (p.Pro3792Leu)

Gene: PLEC (plectin; minus strand). Cytogenetic location: 8q24.3.
Variant type: single nucleotide variant.
Coding change: c.11375C>T on transcript NM_201384.3 (MANE Select); coding-DNA position 11375, C replaced by T.
Protein change: p.Pro3792Leu; replaces proline 3792 with leucine.
Molecular consequence: missense variant.
Genome position (GRCh38, 1-based): chr8:143,918,446, G>A on the plus strand (C>T on the coding strand, the complement: PLEC is on the minus strand). VCF-style: chr8-143918446-G-A. GRCh37 (hg19) VCF-style: chr8-144992614-G-A.
Other names: c.11456C>T, p.Pro3819Leu (NM_000445.5); c.8075C>T, p.Pro2692Leu (NM_001410941.1); c.11333C>T, p.Pro3778Leu (NM_201378.4); c.11309C>T, p.Pro3770Leu (NM_201379.3); c.11786C>T, p.Pro3929Leu (NM_201380.4); c.11279C>T, p.Pro3760Leu (NM_201381.3); c.11375C>T, p.Pro3792Leu (NM_201382.4); c.11387C>T, p.Pro3796Leu (NM_201383.3); short protein forms P3760L, P3770L, P3792L, P2692L, P3778L, P3819L, P3796L, P3929L.
Identifiers: ClinVar variation 2190597 (VCV002190597.4), dbSNP rs2539318823, ClinGen allele CA372491110.